The following is an entry in ClinVar:

ClinVar aggregate classification (germline): Pathogenic (1 of 4 stars; one submission).

Conditions:
Familial cancer of breast. Also called: Hereditary breast cancer; BREAST CANCER, FAMILIAL; hereditary breast carcinoma. Identifiers: Orphanet 227535, MedGen C0346153, MONDO:0016419, OMIM 114480. Disease mechanism: loss of function.

Submission:

Myriad Genetics, Inc.
Classification: Pathogenic for Familial cancer of breast. Last evaluated: 2023-05-25. Review status: criteria provided, single submitter. Criteria: Myriad Autosomal Dominant, Autosomal Recessive and X-Linked Classification Criteria (2023). Collection method: clinical testing. Allele origin: unknown.
Comment: This variant is considered pathogenic. This variant creates a frameshift predicted to result in premature protein truncation.

NM_000465.4(BARD1):c.2164_2200del (p.Tyr722fs)

Gene: BARD1 (BRCA1 associated RING domain 1; minus strand). Cytogenetic location: 2q35.
Variant type: Deletion.
Coding change: c.2164_2200del on transcript NM_000465.4 (MANE Select); coding-DNA positions 2164 to 2200, 37 bases deleted.
Protein change: p.Tyr722fs; shifts the reading frame from tyrosine 722.
Molecular consequence: frameshift variant. On other transcripts: non-coding transcript variant (3).
Genome position (GRCh38, 1-based): chr2:214,728,810-214,728,846, 37 bases deleted; deleting any 37 consecutive bases within chr2:214,728,810-214,728,849 gives the same sequence; the c. name uses the placement nearest the transcript's 3' end. GRCh37 (hg19): chr2:215,593,537-215,593,573.
Other names: c.2107_2143del, p.Tyr703fs (NM_001282543.2); c.811_847del, p.Tyr271fs (NM_001282545.2); c.754_790del, p.Tyr252fs (NM_001282548.2); c.625_661del, p.Tyr209fs (NM_001282549.2); short protein forms Y209fs, Y252fs, Y271fs, Y703fs, Y722fs.
Identifiers: ClinVar variation 2583619 (VCV002583619.2), dbSNP rs2469269067, ClinGen allele CA2582342080.